The following is an entry in ClinVar:

NM_002168.4(IDH2):c.608G>A (p.Gly203Asp)

Gene: IDH2 (isocitrate dehydrogenase (NADP(+)) 2; minus strand). Cytogenetic location: 15q26.1.
Variant type: single nucleotide variant.
Coding change: c.608G>A on transcript NM_002168.4 (MANE Select); coding-DNA position 608, G replaced by A.
Protein change: p.Gly203Asp; replaces glycine 203 with aspartic acid.
Molecular consequence: missense variant.
Genome position (GRCh38, 1-based): chr15:90,088,429, C>T on the plus strand (G>A on the coding strand, the complement: IDH2 is on the minus strand). VCF-style: chr15-90088429-C-T. GRCh37 (hg19) VCF-style: chr15-90631661-C-T.
Other names: c.452G>A, p.Gly151Asp (NM_001289910.1); c.218G>A, p.Gly73Asp (NM_001290114.2); short protein forms G151D, G203D, G73D.
Identifiers: ClinVar variation 2913808 (VCV002913808.2), dbSNP rs766888561, ClinGen allele CA7733130.

ClinVar aggregate classification (germline): Uncertain significance (1 of 4 stars; one submission).

Conditions:
D-2-hydroxyglutaric aciduria 2 (D2HGA2). Identifiers: Orphanet 79315, MedGen C3150909, MONDO:0013345, OMIM 613657.

Allele frequency attached by ClinVar (database versions not stated): gnomAD 0.00001; TOPMed 0.00001; ExAC 0.00002.
gnomAD v4.1: 12 of 1,614,120 alleles (0.00074%); highest among the groups gnomAD compares: South Asian, 0.0022%; no homozygotes.

Submission:

Labcorp Genetics (formerly Invitae), Labcorp
Classification: Uncertain significance for D-2-hydroxyglutaric aciduria 2. Last evaluated: 2022-11-01. Review status: criteria provided, single submitter. Criteria: Invitae Variant Classification Sherloc (09022015). Collection method: clinical testing. Allele origin: germline.
Comment: In summary, the available evidence is currently insufficient to determine the role of this variant in disease. Therefore, it has been classified as a Variant of Uncertain Significance. This sequence change replaces glycine, which is neutral and non-polar, with aspartic acid, which is acidic and polar, at codon 203 of the IDH2 protein (p.Gly203Asp). This variant is present in population databases (rs766888561, gnomAD 0.004%). This variant has not been reported in the literature in individuals affected with IDH2-related conditions. Algorithms developed to predict the effect of missense changes on protein structure and function (SIFT, PolyPhen-2, Align-GVGD) all suggest that this variant is likely to be tolerated.